The following is an entry in ClinVar:

NM_031407.7(HUWE1):c.2851CTC[1] (p.Leu952del)

Gene: HUWE1 (HECT, UBA and WWE domain containing E3 ubiquitin protein ligase 1; minus strand). Cytogenetic location: Xp11.22.
Variant type: Microsatellite.
Coding change: c.2851CTC[1] on transcript NM_031407.7 (MANE Select); one copy of the 3-base unit CTC starting at c.2851; the reference has two copies in a row; one copy, 3 bases deleted.
Protein change: p.Leu952del; deletes leucine 952.
Molecular consequence: inframe deletion.
Genome position (GRCh38, 1-based): chrX:53,603,388-53,603,390, GAG deleted on the plus strand (CTC on the coding strand, the reverse complement: HUWE1 is on the minus strand); deleting any 3 consecutive bases within chrX:53,603,388-53,603,395 gives the same sequence; the position shown is the placement nearest the transcript's 3' end. VCF-style (leftmost placement, unchanged base first): chrX-53603387-AGAG-A. GRCh37 (hg19) VCF-style: chrX-53630348-AGAG-A.
Other names: short protein forms L952del.
Identifiers: ClinVar variation 3343646 (VCV003343646.1).

ClinVar aggregate classification (germline): Uncertain significance (1 of 4 stars; one submission).

Submission:

GeneDx
Classification: Uncertain significance. Last evaluated: 2023-05-18. Review status: criteria provided, single submitter. Criteria: GeneDx Variant Classification Process June 2021. Collection method: clinical testing. Allele origin: germline. Affected: yes.
Comment: Not observed at significant frequency in large population cohorts (gnomAD); In-frame deletion of 1 amino acid in a non-repeat region; In silico analysis supports a deleterious effect on protein structure/function; Has not been previously published as pathogenic or benign to our knowledge